The following is an entry in ClinVar:

NC_000016.9:g.(?_70286624)_(70304263_?)del

Gene: AARS1 (alanyl-tRNA synthetase 1; minus strand). Cytogenetic location: 16q22.1.
Variant type: Deletion.
Identifiers: ClinVar variation 3243567 (VCV003243567.1).

ClinVar aggregate classification (germline): Pathogenic (1 of 4 stars; one submission).

Conditions:
Charcot-Marie-Tooth disease type 2. Also called: Charcot-Marie-Tooth type 2. Identifiers: Orphanet 64746, MedGen C0270914, MONDO:0018993.

Submission:

Labcorp Genetics (formerly Invitae), Labcorp
Classification: Pathogenic for Charcot-Marie-Tooth disease type 2. Last evaluated: 2023-03-07. Review status: criteria provided, single submitter. Criteria: Invitae Variant Classification Sherloc (09022015). Collection method: clinical testing. Allele origin: unknown.
Comment: This variant is a gross deletion of the genomic region encompassing exon(s) 6-21 of the AARS gene, which includes the termination codon. This deletion extends beyond the assayed region for this gene and therefore may encompass additional genes. While this deletion is not anticipated to lead to nonsense mediated decay, it is expected to alter mRNA translation or result in a truncated protein product. For these reasons, this variant has been classified as Pathogenic. This variant disrupts a region of the AARS protein in which other variant(s) (p.Gly913Asp) have been determined to be pathogenic (PMID: 28493438, 31791873). This suggests that this is a clinically significant region of the protein, and that variants that disrupt it are likely to be disease-causing. This variant has not been reported in the literature in individuals affected with AARS-related conditions.

Literature cited by the submitters: PubMed 28493438; PubMed 31791873.